The following is an entry in ClinVar:

ClinVar aggregate classification (germline): Uncertain significance (1 of 4 stars; one submission).

Conditions:
Cardiovascular phenotype. Identifiers: MedGen CN230736.

Submission:

Ambry Genetics
Classification: Uncertain significance for Cardiovascular phenotype. Last evaluated: 2026-07-01. Review status: criteria provided, single submitter. Criteria: Ambry Variant Classification Scheme 2023. Collection method: clinical testing. Allele origin: germline.
Comment: The p.D3478H variant (also known as c.10432G>C), located in coding exon 26 of the APOB gene, results from a G to C substitution at nucleotide position 10432. The aspartic acid at codon 3478 is replaced by histidine, an amino acid with similar properties. This amino acid position is conserved. In addition, this alteration is predicted to be tolerated by in silico analysis. Based on the available evidence, the clinical significance of this variant remains unclear.

NM_000384.3(APOB):c.10432G>C (p.Asp3478His)

Gene: APOB (apolipoprotein B; minus strand). Cytogenetic location: 2p24.1.
Variant type: single nucleotide variant.
Coding change: c.10432G>C on transcript NM_000384.3 (MANE Select); coding-DNA position 10432, G replaced by C.
Protein change: p.Asp3478His; replaces aspartic acid 3478 with histidine.
Molecular consequence: missense variant.
Genome position (GRCh38, 1-based): chr2:21,006,436, C>G on the plus strand (G>C on the coding strand, the complement: APOB is on the minus strand). VCF-style: chr2-21006436-C-G. GRCh37 (hg19) VCF-style: chr2-21229308-C-G.
Other names: short protein forms D3478H.
Identifiers: ClinVar variation 5027065 (VCV005027065.1).
Genomic context (GRCh38, chr2:21,006,436, plus strand): 5'-CTTTGGTAGATGACTCAATGGAAAAGTAAGAGGTGAGGCTTTCCAAGCTAAGCTTGTGGT[C>G]AACTGCTCCTTTAGCGGTAGAGTACAGCATTGAAGAATTGAAATCATACTTAAATTCCAT-3'
Protein context (NP_000375.3, residues 3468-3488): MLYSTAKGAV[Asp3478His]HKLSLESLTS